The following is an entry in ClinVar:

NM_000059.4(BRCA2):c.4307_4309del (p.Ile1436del)

Gene: BRCA2 (BRCA2 DNA repair associated; plus strand). Cytogenetic location: 13q13.1.
Variant type: Deletion.
Coding change: c.4307_4309del on transcript NM_000059.4 (MANE Select); coding-DNA positions 4307 to 4309, 3 bases deleted (TTA; older notation c.4307_4309delTTA).
Protein change: p.Ile1436del; deletes isoleucine 1436.
Molecular consequence: inframe deletion.
Genome position (GRCh38, 1-based): chr13:32,338,662-32,338,664, TTA deleted; deleting any 3 consecutive bases within chr13:32,338,660-32,338,664 gives the same sequence; the c. name uses the placement nearest the transcript's 3' end. VCF-style (leftmost placement, unchanged base first): chr13-32338659-ATAT-A. GRCh37 (hg19) VCF-style: chr13-32912796-ATAT-A.
Other names: short protein forms I1436del.
Identifiers: ClinVar variation 838479 (VCV000838479.11), dbSNP rs2072501185, ClinGen allele CA916080548.
Genomic context (GRCh38, chr13:32,338,659, plus strand): 5'-AGCAAAATATAAAAGATTTTGAGACTTCTGATACATTTTTTCAGACTGCAAGTGGGAAAA[ATAT>A]TAGTGTCGCCAAAGAGTCATTTAATAAAATTGTAAATTTCTTTGATCAGAAACCAGAAGA-3'

ClinVar aggregate classification (germline): Uncertain significance. Review status: criteria provided, multiple submitters, no conflicts (2 of 4 stars). 2 submissions from 2 submitters: Uncertain significance (2). Last evaluated 2024-12-13.

Conditions:
Hereditary breast ovarian cancer syndrome. Also called: Hereditary breast and ovarian cancer syndrome (HBOC); Hereditary breast and ovarian cancer; Hereditary breast and/or ovarian cancer syndrome; Hereditary breast and ovarian cancer syndrome; Breast and ovarian cancer; BRCA1- and BRCA2-Associated Hereditary Breast and Ovarian Cancer. Identifiers: Orphanet 145, MedGen C0677776, MeSH D061325, MONDO:0003582. Disease mechanism: loss of function.

Submissions (2):

Quest Diagnostics Nichols Institute San Juan Capistrano
Classification: Uncertain significance. Last evaluated: 2024-12-13. Review status: criteria provided, single submitter. Criteria: Quest Diagnostics criteria. Collection method: clinical testing. Allele origin: unknown.
Comment: The BRCA2 c.4307_4309del (p.Ile1436del) variant has been reported to be located in a region of the BRCA2 gene that is tolerant to missense sequence changes (PMID: 31911673 (2020)). To the best of our knowledge, this variant has not been reported in individuals with BRCA2-related disorders. This variant has not been reported in large, multi-ethnic general populations (Genome Aggregation Database). Based on the available information, we are unable to determine the clinical significance of this variant.

Labcorp Genetics (formerly Invitae), Labcorp
Classification: Uncertain significance for Hereditary breast ovarian cancer syndrome. Last evaluated: 2019-06-12. Review status: criteria provided, single submitter. Criteria: Invitae Variant Classification Sherloc (09022015). Collection method: clinical testing. Allele origin: germline.
Comment: This variant, c.4307_4309del, results in the deletion of 1 amino acid(s) of the BRCA2 protein (p.Ile1436del), but otherwise preserves the integrity of the reading frame. This variant is not present in population databases (ExAC no frequency). This variant has not been reported in the literature in individuals with BRCA2-related conditions. Experimental studies and prediction algorithms are not available for this variant, and the functional significance of the affected amino acid(s) is currently unknown. In summary, the available evidence is currently insufficient to determine the role of this variant in disease. Therefore, it has been classified as a Variant of Uncertain Significance.

Literature cited by the submitters: PubMed 31911673 (cited by Quest Diagnostics Nichols Institute San Juan Capistrano).